The following is an entry in ClinVar:

NM_000152.5(GAA):c.784G>C (p.Glu262Gln)

Gene: GAA (alpha glucosidase; plus strand). Cytogenetic location: 17q25.3.
Variant type: single nucleotide variant.
Coding change: c.784G>C on transcript NM_000152.5 (MANE Select); coding-DNA position 784, G replaced by C.
Protein change: p.Glu262Gln; replaces glutamic acid 262 with glutamine.
Molecular consequence: missense variant.
Genome position (GRCh38, 1-based): chr17:80,107,648, G>C. VCF-style: chr17-80107648-G-C. GRCh37 (hg19) VCF-style: chr17-78081447-G-C.
Other names: c.784G>C, p.Glu262Gln (NM_001079803.3, NM_001079804.3, NM_001406741.1 and 1 more transcripts); short protein forms E262Q.
Identifiers: ClinVar variation 4688868 (VCV004688868.2).

ClinVar aggregate classification (germline): Uncertain significance. Review status: criteria provided, multiple submitters, no conflicts (2 of 4 stars). 2 submissions from 2 submitters: Uncertain significance (2). Last evaluated 2026-07-01.

Conditions:
Glycogen storage disease, type II (IOPD). Also called: CARDIOMEGALIA GLYCOGENICA DIFFUSA; GLYCOGENOSIS, GENERALIZED, CARDIAC FORM; GSD II; Glycogen storage disease type 2; Acid maltase deficiency disease; Aglucosidase alfa. Identifiers: Orphanet 365, MedGen C0017921, MONDO:0009290, OMIM 232300.

gnomAD v4.1: 1 of 1,613,050 alleles (0.000062%); highest among the groups gnomAD compares: Non-Finnish European, 0.000085%; no homozygotes.

Submissions (2):

Genomenon, Inc
Classification: Uncertain significance for Glycogen storage disease, type II. Last evaluated: 2026-07-01. Review status: criteria provided, single submitter. Criteria: Genomenon Sequence Variant Interpretation Standards - Updated. Collection method: curation. Allele origin: germline. Affected: yes.
Comment: GAA p.Glu262Gln (c.784G>C) is a missense variant that changes the amino acid at codon 262 from Glutamic acid to Glutamine. This variant has been observed in at least one proband with a GAA-related disorder (PMID:31606152). It is absent or not present at a significant frequency in gnomAD. In conclusion, we classify GAA p.Glu262Gln (c.784G>C) as a variant of uncertain significance.

Women's Health and Genetics/Laboratory Corporation of America, LabCorp
Classification: Uncertain significance. Last evaluated: 2025-12-23. Review status: criteria provided, single submitter. Criteria: LabCorp Variant Classification Summary - May 2015. Collection method: clinical testing. Allele origin: germline.
Comment: Variant summary: GAA c.784G>C (p.Glu262Gln) results in a conservative amino acid change in the encoded protein sequence. Algorithms developed to predict the effect of missense changes on protein structure and function are either unavailable or do not agree on the potential impact of this missense change. The variant was absent in 251008 control chromosomes. The available data on variant occurrences in the general population are insufficient to allow any conclusion about variant significance. c.784G>C has been observed in individual(s) affected with Glycogen Storage Disease, Type 2 (Pompe Disease) (Gupta_2020). These report(s) do not provide unequivocal conclusions about association of the variant with Glycogen Storage Disease, Type 2 (Pompe Disease). To our knowledge, no experimental evidence demonstrating an impact on protein function has been reported. The following publication has been ascertained in the context of this evaluation (PMID: 31606152). No submitters have cited clinical-significance assessments for this variant to ClinVar. Based on the evidence outlined above, the variant was classified as uncertain significance.

Literature cited by the submitters: PubMed 31606152 (cited by Genomenon, Inc and Women's Health and Genetics/Laboratory Corporation of America, LabCorp).